The following is an entry in ClinVar:

ClinVar aggregate classification (germline): Uncertain significance (1 of 4 stars; one submission).

Conditions:
Emery-Dreifuss muscular dystrophy 5, autosomal dominant (EDMD5). Also called: EMERY-DREIFUSS MUSCULAR DYSTROPHY 5. Identifiers: Orphanet 261, MedGen C2751805, MONDO:0013072, OMIM 612999.

Submission:

Labcorp Genetics (formerly Invitae), Labcorp
Classification: Uncertain significance for Emery-Dreifuss muscular dystrophy 5, autosomal dominant. Last evaluated: 2024-03-29. Review status: criteria provided, single submitter. Criteria: Invitae Variant Classification Sherloc (09022015). Collection method: clinical testing. Allele origin: germline.
Comment: This sequence change replaces leucine, which is neutral and non-polar, with isoleucine, which is neutral and non-polar, at codon 4556 of the SYNE2 protein (p.Leu4556Ile). This variant is not present in population databases (gnomAD no frequency). This variant has not been reported in the literature in individuals affected with SYNE2-related conditions. An algorithm developed to predict the effect of missense changes on protein structure and function (PolyPhen-2) suggests that this variant is likely to be disruptive. In summary, the available evidence is currently insufficient to determine the role of this variant in disease. Therefore, it has been classified as a Variant of Uncertain Significance.

NM_182914.3(SYNE2):c.13666C>A (p.Leu4556Ile)

Gene: SYNE2 (spectrin repeat containing nuclear envelope protein 2; plus strand). Cytogenetic location: 14q23.2.
Variant type: single nucleotide variant.
Coding change: c.13666C>A on transcript NM_182914.3 (MANE Select); coding-DNA position 13666, C replaced by A.
Protein change: p.Leu4556Ile; replaces leucine 4556 with isoleucine.
Molecular consequence: missense variant.
Genome position (GRCh38, 1-based): chr14:64,126,438, C>A. VCF-style: chr14-64126438-C-A. GRCh37 (hg19) VCF-style: chr14-64593156-C-A.
Other names: c.13666C>A, p.Leu4556Ile (NM_015180.6); short protein forms L4556I.
Identifiers: ClinVar variation 3686784 (VCV003686784.2).